The following is an entry in ClinVar:

NM_001024630.4(RUNX2):c.177GCA[11] (p.Gln67_Gln71dup)

Genes: RUNX2 (RUNX family transcription factor 2; plus strand), LOC109611589 (runt related transcription factor 2 polyalanine expansion region; plus strand). Cytogenetic location: 6p21.1.
Variant type: Microsatellite.
Coding change: c.177GCA[11] on transcript NM_001024630.4 (MANE Select); 11 copies in a row of the 3-base unit GCA starting at c.177; the reference has six copies in a row; five copies, 15 bases duplicated.
Protein change: p.Gln67_Gln71dup.
Molecular consequence: inframe insertion.
Genome position (GRCh38, 1-based): chr6:45,422,714-45,422,728, GCAGCAGCAGCAGCA duplicated; duplicating any 15 consecutive bases within chr6:45,422,709-45,422,728 gives the same sequence; the position shown is the placement nearest the transcript's 3' end. VCF-style (leftmost placement, unchanged base first): chr6-45422708-A-ACAGCAGCAGCAGCAG. GRCh37 (hg19) VCF-style: chr6-45390445-A-ACAGCAGCAGCAGCAG.
Other names: c.177GCA[11], p.Gln67_Gln71dup (NM_001015051.4); c.135GCA[11], p.Gln53_Gln57dup (NM_001278478.2, NM_001369405.1).
Identifiers: ClinVar variation 1490475 (VCV001490475.8), dbSNP rs759395776, ClinGen allele CA567156243.

ClinVar aggregate classification (germline): Uncertain significance (1 of 4 stars; one submission).

Submission:

Labcorp Genetics (formerly Invitae), Labcorp
Classification: Uncertain significance. Last evaluated: 2021-07-11. Review status: criteria provided, single submitter. Criteria: Invitae Variant Classification Sherloc (09022015). Collection method: clinical testing. Allele origin: germline.
Comment: This variant, c.180_194dup, results in the insertion of 5 amino acid(s) to the RUNX2 protein (p.Gln67_Gln71dup), but otherwise preserves the integrity of the reading frame. This variant is not present in population databases (ExAC no frequency). This variant has not been reported in the literature in individuals affected with RUNX2-related conditions. Experimental studies and prediction algorithms are not available or were not evaluated, and the functional significance of this variant is currently unknown. In summary, the available evidence is currently insufficient to determine the role of this variant in disease. Therefore, it has been classified as a Variant of Uncertain Significance.